The following is an entry in ClinVar:

ClinVar aggregate classification (germline): Benign/Likely benign. Review status: criteria provided, multiple submitters, no conflicts (2 of 4 stars). 3 submissions from 3 submitters: Benign (1); Likely benign (2). Last evaluated 2026-09-05.

Conditions:
Hereditary cancer-predisposing syndrome. Also called: Tumor predisposition; Hereditary Cancer Syndrome; Hereditary neoplastic syndrome; Neoplastic Syndromes, Hereditary. Identifiers: Orphanet 140162, MedGen C0027672, MeSH D009386, MONDO:0015356.
Oligodontia-cancer predisposition syndrome. Also called: TOOTH AGENESIS-COLORECTAL CANCER SYNDROME. Identifiers: Orphanet 300576, MedGen C1837750, MONDO:0012075, OMIM 608615. Disease mechanism: loss of function.

Submissions (3):

Ambry Genetics
Classification: Likely benign for Hereditary cancer-predisposing syndrome. Last evaluated: 2026-09-05. Review status: criteria provided, single submitter. Criteria: Ambry Variant Classification Scheme 2023. Collection method: clinical testing. Allele origin: germline.

Labcorp Genetics (formerly Invitae), Labcorp
Classification: Likely benign for Oligodontia-cancer predisposition syndrome. Last evaluated: 2025-04-16. Review status: criteria provided, single submitter. Criteria: Invitae Variant Classification Sherloc (09022015). Collection method: clinical testing. Allele origin: germline.

Myriad Genetics, Inc.
Classification: Benign for Oligodontia-cancer predisposition syndrome. Last evaluated: 2024-07-09. Review status: criteria provided, single submitter. Criteria: Myriad Autosomal Dominant, Autosomal Recessive and X-Linked Classification Criteria (2023). Collection method: clinical testing. Allele origin: unknown.
Comment: This variant is considered benign. This variant is a silent/synonymous amino acid change and it is not expected to impact splicing.

NM_004655.4(AXIN2):c.1984C>T (p.Leu662=)

Gene: AXIN2 (axin 2; minus strand). Cytogenetic location: 17q24.1.
Variant type: single nucleotide variant.
Coding change: c.1984C>T on transcript NM_004655.4 (MANE Select); coding-DNA position 1984, C replaced by T.
Protein change: p.Leu662=; no amino-acid change (leucine 662 retained).
Molecular consequence: synonymous variant.
Genome position (GRCh38, 1-based): chr17:65,536,477, G>A on the plus strand (C>T on the coding strand, the complement: AXIN2 is on the minus strand). VCF-style: chr17-65536477-G-A. GRCh37 (hg19) VCF-style: chr17-63532595-G-A.
Other names: c.1789C>T, p.Leu597= (NM_001363813.1).
Identifiers: ClinVar variation 3378951 (VCV003378951.3).